The following is an entry in ClinVar:

ClinVar aggregate classification (germline): Uncertain significance. Review status: criteria provided, multiple submitters, no conflicts (2 of 4 stars). 2 submissions from 2 submitters: Uncertain significance (2). Last evaluated 2020-02-19.

Conditions:
Emery-Dreifuss muscular dystrophy 4, autosomal dominant (EDMD4). Also called: EMERY-DREIFUSS MUSCULAR DYSTROPHY 4 WITH VARIABLE FEATURES. Identifiers: Orphanet 261, MedGen C2751807, MONDO:0013071, OMIM 612998.

Allele frequency attached by ClinVar (database versions not stated): gnomAD exomes 0.00001.
gnomAD v4.1: 8 of 1,614,210 alleles (0.0005%); highest among the groups gnomAD compares: South Asian, 0.0088%; no homozygotes.

Submissions (2):

Blueprint Genetics
Classification: Uncertain significance. Last evaluated: 2020-02-19. Review status: criteria provided, single submitter. Criteria: ACMG Guidelines, 2015. Collection method: clinical testing. Allele origin: germline.

Neuberg Centre For Genomic Medicine, NCGM
Classification: Uncertain significance for Emery-Dreifuss muscular dystrophy 4, autosomal dominant. Review status: criteria provided, single submitter. Criteria: ACMG Guidelines, 2015. Collection method: clinical testing. Allele origin: germline. Inheritance: Autosomal dominant inheritance. Affected: yes.
Comment: The missense variant c.13089A>T (p.Gln4363His) in SYNE1 gene has not been reported previously as a pathogenic variant nor as a benign variant, to our knowledge. The p.Gln4363His variant is novel (not in any individuals) in 1000 Genomes and allele frequency of 0.0007953% is reported in gnomAD. The amino acid Gln at position 4363 is changed to a His changing protein sequence and it might alter its composition and physico-chemical properties. The variant is predicted to be damaging by both SIFT and PolyPhen2. The residue is variable across species. For these reasons, this variant has been classified as Uncertain Significance .

NM_182961.4(SYNE1):c.13089A>T (p.Gln4363His)

Gene: SYNE1 (spectrin repeat containing nuclear envelope protein 1; minus strand). Cytogenetic location: 6q25.2.
Variant type: single nucleotide variant.
Coding change: c.13089A>T on transcript NM_182961.4 (MANE Select); coding-DNA position 13089, A replaced by T.
Protein change: p.Gln4363His; replaces glutamine 4363 with histidine.
Molecular consequence: missense variant.
Genome position (GRCh38, 1-based): chr6:152,331,596, T>A on the plus strand (A>T on the coding strand, the complement: SYNE1 is on the minus strand). VCF-style: chr6-152331596-T-A. GRCh37 (hg19) VCF-style: chr6-152652731-T-A.
Other names: c.12876A>T, p.Gln4292His (NM_033071.5); short protein forms Q4292H, Q4363H.
Identifiers: ClinVar variation 2585438 (VCV002585438.2), dbSNP rs753852037, ClinGen allele CA4056252.